The following is an entry in ClinVar:

ClinVar aggregate classification (germline): Uncertain significance (1 of 4 stars; one submission).

Allele frequency attached by ClinVar (database versions not stated): gnomAD 0.00001.
gnomAD v4.1: 7 of 1,613,776 alleles (0.00043%); highest among the groups gnomAD compares: African/African-American, 0.004%; no homozygotes.

Submission:

Labcorp Genetics (formerly Invitae), Labcorp
Classification: Uncertain significance. Last evaluated: 2022-09-13. Review status: criteria provided, single submitter. Criteria: Invitae Variant Classification Sherloc (09022015). Collection method: clinical testing. Allele origin: germline.
Comment: In summary, the available evidence is currently insufficient to determine the role of this variant in disease. Therefore, it has been classified as a Variant of Uncertain Significance. Algorithms developed to predict the effect of missense changes on protein structure and function output the following: SIFT: "Tolerated"; PolyPhen-2: "Not Available"; Align-GVGD: "Class C0". The serine amino acid residue is found in multiple mammalian species, which suggests that this missense change does not adversely affect protein function. ClinVar contains an entry for this variant (Variation ID: 1389394). This variant has not been reported in the literature in individuals affected with PCLO-related conditions. This variant is present in population databases (no rsID available, gnomAD 0.01%). This sequence change replaces proline, which is neutral and non-polar, with serine, which is neutral and polar, at codon 748 of the PCLO protein (p.Pro748Ser).

NM_033026.6(PCLO):c.2242C>T (p.Pro748Ser)

Gene: PCLO (piccolo presynaptic cytomatrix protein; minus strand). Cytogenetic location: 7q21.11.
Variant type: single nucleotide variant.
Coding change: c.2242C>T on transcript NM_033026.6 (MANE Select); coding-DNA position 2242, C replaced by T.
Protein change: p.Pro748Ser; replaces proline 748 with serine.
Molecular consequence: missense variant.
Genome position (GRCh38, 1-based): chr7:83,135,308, G>A on the plus strand (C>T on the coding strand, the complement: PCLO is on the minus strand). VCF-style: chr7-83135308-G-A. GRCh37 (hg19) VCF-style: chr7-82764624-G-A.
Other names: c.2242C>T, p.Pro748Ser (NM_014510.3); short protein forms P748S.
Identifiers: ClinVar variation 1389394 (VCV001389394.6), dbSNP rs959374172, ClinGen allele CA161172765.